The following is an entry in ClinVar:

NM_020163.3(SEMA3G):c.1724G>A (p.Gly575Asp)

Gene: SEMA3G (semaphorin 3G; minus strand). Cytogenetic location: 3p21.1.
Variant type: single nucleotide variant.
Coding change: c.1724G>A on transcript NM_020163.3 (MANE Select); coding-DNA position 1724, G replaced by A.
Protein change: p.Gly575Asp; replaces glycine 575 with aspartic acid.
Molecular consequence: missense variant.
Genome position (GRCh38, 1-based): chr3:52,437,985, C>T on the plus strand (G>A on the coding strand, the complement: SEMA3G is on the minus strand). VCF-style: chr3-52437985-C-T. GRCh37 (hg19) VCF-style: chr3-52472001-C-T.
Other names: short protein forms G575D.
Identifiers: ClinVar variation 4993554 (VCV004993554.1).

ClinVar aggregate classification (germline): Uncertain significance (1 of 4 stars; one submission).

Conditions:
SEMA3G-related disorder. Also called: SEMA3G-related condition.

Submission:

PreventionGenetics, part of Exact Sciences
Classification: Uncertain significance for SEMA3G-related condition. Last evaluated: 2026-09-02. Review status: criteria provided, single submitter. Criteria: ACMG Guidelines, 2015. Collection method: clinical testing. Allele origin: germline.
Comment: The SEMA3G c.1724G>A variant is predicted to result in the amino acid substitution p.Gly575Asp. To our knowledge, this variant has not been reported in the literature or in a large population database (gnomAD), indicating this variant is rare. At this time, the clinical significance of this variant is uncertain due to the absence of conclusive functional and genetic evidence.